The following is an entry in ClinVar:

ClinVar aggregate classification (germline): Uncertain significance. Review status: criteria provided, multiple submitters, no conflicts (2 of 4 stars). 2 submissions from 2 submitters: Uncertain significance (2). Last evaluated 2025-08-12.

Conditions:
Arrhythmogenic right ventricular dysplasia 13. Also called: ARRHYTHMOGENIC RIGHT VENTRICULAR CARDIOMYOPATHY 13; Arrhythmogenic right ventricular dysplasia, familial, 13. Identifiers: MedGen C3810138, MONDO:0000908, OMIM 615616.

Allele frequency attached by ClinVar (database versions not stated): gnomAD 0.00001; gnomAD exomes 0.00002 and 0.00003; TOPMed 0.00002; ExAC 0.00003; ESP Exome Variant Server 0.00008.
gnomAD v4.1: 43 of 1,613,684 alleles (0.0027%); highest among the groups gnomAD compares: Middle Eastern, 0.15%; 1 homozygote.

Submissions (2):

Ambry Genetics
Classification: Uncertain significance. Last evaluated: 2025-08-12. Review status: criteria provided, single submitter. Criteria: Ambry Variant Classification Scheme 2023. Collection method: clinical testing. Allele origin: germline.

Labcorp Genetics (formerly Invitae), Labcorp
Classification: Uncertain significance for Arrhythmogenic right ventricular dysplasia 13. Last evaluated: 2025-06-01. Review status: criteria provided, single submitter. Criteria: Invitae Variant Classification Sherloc (09022015). Collection method: clinical testing. Allele origin: germline.
Comment: This sequence change replaces methionine, which is neutral and non-polar, with valine, which is neutral and non-polar, at codon 708 of the CTNNA3 protein (p.Met708Val). This variant is present in population databases (rs148554495, gnomAD 0.01%). This variant has not been reported in the literature in individuals affected with CTNNA3-related conditions. ClinVar contains an entry for this variant (Variation ID: 642339). Invitae Evidence Modeling of protein sequence and biophysical properties (such as structural, functional, and spatial information, amino acid conservation, physicochemical variation, residue mobility, and thermodynamic stability) indicates that this missense variant is expected to disrupt CTNNA3 protein function with a positive predictive value of 80%. In summary, the available evidence is currently insufficient to determine the role of this variant in disease. Therefore, it has been classified as a Variant of Uncertain Significance.

NM_013266.4(CTNNA3):c.2122A>G (p.Met708Val)

Gene: CTNNA3 (catenin alpha 3; minus strand). Cytogenetic location: 10q21.3.
Variant type: single nucleotide variant.
Coding change: c.2122A>G on transcript NM_013266.4 (MANE Select); coding-DNA position 2122, A replaced by G.
Protein change: p.Met708Val; replaces methionine 708 with valine.
Molecular consequence: missense variant.
Genome position (GRCh38, 1-based): chr10:66,069,345, T>C on the plus strand (A>G on the coding strand, the complement: CTNNA3 is on the minus strand). VCF-style: chr10-66069345-T-C. GRCh37 (hg19) VCF-style: chr10-67829103-T-C.
Other names: c.2122A>G, p.Met708Val (NM_001127384.3); short protein forms M708V.
Identifiers: ClinVar variation 642339 (VCV000642339.12), dbSNP rs148554495, ClinGen allele CA5519700.
Genomic context (GRCh38, chr10:66,069,345, plus strand): 5'-CACATCGTTTTCCACATAATTACCTAGTGAAGTCTGTCATCTCCATCATGATCATACACA[T>C]GTTCTTGGCCAGAACAATGATGTCGTTGCTTGTATCATCCCATATCTCAATCTCAGCATC-3'
Protein context (NP_037398.2, residues 698-718): SNDIIVLAKN[Met708Val]CMIMMEMTDF